The following is an entry in ClinVar:

NM_005378.6(MYCN):c.713G>T (p.Arg238Leu)

Gene: MYCN (MYCN proto-oncogene, bHLH transcription factor; plus strand). Cytogenetic location: 2p24.3.
Variant type: single nucleotide variant.
Coding change: c.713G>T on transcript NM_005378.6 (MANE Select); coding-DNA position 713, G replaced by T.
Protein change: p.Arg238Leu; replaces arginine 238 with leucine.
Molecular consequence: missense variant. On other transcripts: 3 prime UTR variant (1), intron variant (1).
Genome position (GRCh38, 1-based): chr2:15,942,777, G>T. VCF-style: chr2-15942777-G-T. GRCh37 (hg19) VCF-style: chr2-16082899-G-T.
Other names: c.713G>T, p.Arg238Leu (NM_001293228.2); c.*648G>T (NM_001293233.2); c.157+2034G>T (NM_001293231.2); short protein forms R238L.
Identifiers: ClinVar variation 2172718 (VCV002172718.4), dbSNP rs775640153, ClinGen allele CA1538218.

ClinVar aggregate classification (germline): Uncertain significance (1 of 4 stars; one submission).

Allele frequency attached by ClinVar (database versions not stated): gnomAD 0.00001; gnomAD exomes 0.00001; TOPMed 0.00002; ExAC 0.00007.
gnomAD v4.1: 11 of 1,472,760 alleles (0.00075%); highest among the groups gnomAD compares: Admixed American, 0.019%; no homozygotes.

Submission:

Labcorp Genetics (formerly Invitae), Labcorp
Classification: Uncertain significance. Last evaluated: 2025-07-28. Review status: criteria provided, single submitter. Criteria: Invitae Variant Classification Sherloc (09022015). Collection method: clinical testing. Allele origin: germline.
Comment: This sequence change replaces arginine, which is basic and polar, with leucine, which is neutral and non-polar, at codon 238 of the MYCN protein (p.Arg238Leu). This variant is present in population databases (rs775640153, gnomAD 0.03%). This variant has not been reported in the literature in individuals affected with MYCN-related conditions. ClinVar contains an entry for this variant (Variation ID: 2172718). Invitae Evidence Modeling of protein sequence and biophysical properties (such as structural, functional, and spatial information, amino acid conservation, physicochemical variation, residue mobility, and thermodynamic stability) indicates that this missense variant is not expected to disrupt MYCN protein function with a negative predictive value of 95%. In summary, the available evidence is currently insufficient to determine the role of this variant in disease. Therefore, it has been classified as a Variant of Uncertain Significance.